The following is an entry in ClinVar:

ClinVar aggregate classification (germline): Benign/Likely benign. Review status: criteria provided, multiple submitters, no conflicts (2 of 4 stars). 9 submissions from 9 submitters: Benign (4); Likely benign (3). 2 of the submissions do not count toward it. Last evaluated 2026-02-03.

Conditions:
Early-infantile DEE. Also called: Early infantile epileptic encephalopathy; Early infantile epileptic encephalopathy with suppression bursts; Ohtahara syndrome. Identifiers: Orphanet 1934, MedGen C0393706, MONDO:0800491.
Inborn genetic diseases. Identifiers: MedGen C0950123, MeSH D030342.

Allele frequency attached by ClinVar (database versions not stated): gnomAD exomes 0.00016 and 0.00043; ExAC 0.00046; 1000 Genomes Project 30x 0.00062; 1000 Genomes Project 0.00080; gnomAD 0.00165 and 0.00185; TOPMed 0.00187; ESP Exome Variant Server 0.00194.
gnomAD v4.1: 487 of 1,613,870 alleles (0.03%); highest among the groups gnomAD compares: African/African-American, 0.57%; 2 homozygotes.

Submissions (9):

Labcorp Genetics (formerly Invitae), Labcorp
Classification: Benign for Early-infantile DEE. Last evaluated: 2026-02-03. Review status: criteria provided, single submitter. Criteria: Invitae Variant Classification Sherloc (09022015). Collection method: clinical testing. Allele origin: germline.

CeGaT Center for Human Genetics Tuebingen
Classification: Likely benign. Last evaluated: 2024-07-01. Review status: criteria provided, single submitter. Criteria: CeGaT Center For Human Genetics Tuebingen Variant Classification Criteria Version 2. Collection method: clinical testing. Allele origin: germline. Affected: yes. Observed: 4 variant alleles.
Comment: SCN8A: BP4, BS1

Ambry Genetics
Classification: Likely benign for Inborn genetic diseases. Last evaluated: 2016-06-24. Review status: criteria provided, single submitter. Criteria: Ambry Variant Classification Scheme 2023. Collection method: clinical testing. Allele origin: germline.

Eurofins Ntd Llc (ga)
Classification: Benign. Last evaluated: 2015-02-06. Review status: criteria provided, single submitter. Criteria: EGL Classification Definitions 2015. Collection method: clinical testing. Allele origin: germline. Observed: 1 variant allele, 1 heterozygote.

GeneDx
Classification: Benign. Last evaluated: 2014-03-11. Review status: criteria provided, single submitter. Criteria: GeneDx Variant Classification (06012015). Collection method: clinical testing. Allele origin: germline. Affected: yes.
Comment: This variant is considered likely benign or benign based on one or more of the following criteria: it is a conservative change, it occurs at a poorly conserved position in the protein, it is predicted to be benign by multiple in silico algorithms, and/or has population frequency not consistent with disease.

Breakthrough Genomics
Classification: Likely benign. Review status: criteria provided, single submitter. Criteria: ACMG Guidelines, 2015. Collection method: not provided. Allele origin: germline. Inheritance: Autosomal dominant inheritance. Affected: yes.

PreventionGenetics, part of Exact Sciences
Classification: Benign. Review status: criteria provided, single submitter. Criteria: ACMG Guidelines, 2015. Collection method: clinical testing. Allele origin: germline.

Clinical Genetics DNA and cytogenetics Diagnostics Lab, Erasmus MC, Erasmus Medical Center
Classification: Likely benign. Review status: no assertion criteria provided. Collection method: clinical testing. Allele origin: germline. Affected: yes. Study: VKGL Data-share Consensus. Not counted in ClinVar's aggregate classification.

Joint Genome Diagnostic Labs from Nijmegen and Maastricht, Radboudumc and MUMC+
Classification: Likely benign. Review status: no assertion criteria provided. Collection method: clinical testing. Allele origin: germline. Affected: yes. Study: VKGL Data-share Consensus. Not counted in ClinVar's aggregate classification.

NM_001330260.2(SCN8A):c.2632C>T (p.Leu878=)

Gene: SCN8A (sodium voltage-gated channel alpha subunit 8; plus strand). Cytogenetic location: 12q13.13.
Variant type: single nucleotide variant.
Coding change: c.2632C>T on transcript NM_001330260.2 (MANE Select); coding-DNA position 2632, C replaced by T.
Protein change: p.Leu878=; no amino-acid change (leucine 878 retained).
Molecular consequence: synonymous variant.
Genome position (GRCh38, 1-based): chr12:51,765,758, C>T. VCF-style: chr12-51765758-C-T. GRCh37 (hg19) VCF-style: chr12-52159542-C-T.
Other names: p.L878L:CTG>TTG; c.2632C>T, p.Leu878= (NM_001177984.3, NM_001369788.1, NM_014191.4).
Identifiers: ClinVar variation 139071 (VCV000139071.49), dbSNP rs372582842, ClinGen allele CA302769.